The following is an entry in ClinVar:

NC_000007.14:g.(?_30598776)_(30598917_?)del

Gene: GARS1 (glycyl-tRNA synthetase 1; plus strand). Cytogenetic location: 7p14.3.
Variant type: Deletion.
Identifiers: ClinVar variation 543297 (VCV000543297.1).

ClinVar aggregate classification (germline): Uncertain significance (1 of 4 stars; one submission).

Conditions:
Charcot-Marie-Tooth disease type 2. Also called: Charcot-Marie-Tooth type 2. Identifiers: Orphanet 64746, MedGen C0270914, MONDO:0018993.

Submission:

Labcorp Genetics (formerly Invitae), Labcorp
Classification: Uncertain significance for Charcot-Marie-Tooth disease type 2. Last evaluated: 2017-09-26. Review status: criteria provided, single submitter. Criteria: Invitae Variant Classification Sherloc (09022015). Collection method: clinical testing. Allele origin: germline.
Comment: This variant is an in-frame deletion of the genomic region encompassing exon 2 of the GARS gene. It preserves the integrity of the reading frame. This variant has not been reported in the literature in individuals with GARS-related disease. Experimental studies are not available for this copy number variant, and the functional significance of the deleted exon is currently unknown. In summary, the available evidence is currently insufficient to determine the role of this variant in disease. Therefore, it has been classified as a Variant of Uncertain Significance.